The following is an entry in ClinVar:

ClinVar aggregate classification (germline): Pathogenic (1 of 4 stars; one submission).

Submission:

Labcorp Genetics (formerly Invitae), Labcorp
Classification: Pathogenic. Last evaluated: 2021-05-04. Review status: criteria provided, single submitter. Criteria: Invitae Variant Classification Sherloc (09022015). Collection method: clinical testing. Allele origin: germline.
Comment: This sequence change creates a premature translational stop signal (p.Asp1631Profs*7) in the MYO7A gene. It is expected to result in an absent or disrupted protein product. Loss-of-function variants in MYO7A are known to be pathogenic (PMID: 8900236, 25404053). For these reasons, this variant has been classified as Pathogenic. This variant has not been reported in the literature in individuals with MYO7A-related conditions. This variant is not present in population databases (ExAC no frequency).

Literature cited by the submitters: PubMed 8900236; PubMed 25404053.

NM_000260.4(MYO7A):c.4891_4892del (p.Asp1631fs)

Gene: MYO7A (myosin VIIA; plus strand). Cytogenetic location: 11q13.5.
Variant type: Microsatellite.
Coding change: c.4891_4892del on transcript NM_000260.4 (MANE Select); coding-DNA positions 4891 to 4892, 2 bases deleted (GA; older notation c.4891_4892delGA).
Protein change: p.Asp1631fs; shifts the reading frame from aspartic acid 1631.
Molecular consequence: frameshift variant.
Genome position (GRCh38, 1-based): chr11:77,201,486-77,201,487, GA deleted; deleting any 2 consecutive bases within chr11:77,201,484-77,201,487 gives the same sequence; the c. name uses the placement nearest the transcript's 3' end. VCF-style (leftmost placement, unchanged base first): chr11-77201483-GGA-G. GRCh37 (hg19) VCF-style: chr11-76912528-GGA-G.
Other names: c.4777_4778del, p.Asp1593fs (NM_001127180.2); c.4744_4745del, p.Asp1582fs (NM_001369365.1); short protein forms D1582fs, D1593fs, D1631fs.
Identifiers: ClinVar variation 1455144 (VCV001455144.6), dbSNP rs2135698596, ClinGen allele CA2580616393.